The following is an entry in ClinVar:

NM_000360.4(TH):c.412C>T (p.Arg138Ter)

Gene: TH (tyrosine hydroxylase; minus strand). Cytogenetic location: 11p15.5.
Variant type: single nucleotide variant.
Coding change: c.412C>T on transcript NM_000360.4 (MANE Select); coding-DNA position 412, C replaced by T.
Protein change: p.Arg138Ter; replaces arginine 138 with a stop codon.
Molecular consequence: nonsense.
Genome position (GRCh38, 1-based): chr11:2,168,566, G>A on the plus strand (C>T on the coding strand, the complement: TH is on the minus strand). VCF-style: chr11-2168566-G-A. GRCh37 (hg19) VCF-style: chr11-2189796-G-A.
Other names: c.505C>T, p.Arg169Ter (NM_199292.3); c.493C>T, p.Arg165Ter (NM_199293.3); c.505C>T (NM_199292.2); short protein forms R169*, R138*, R165*.
Identifiers: ClinVar variation 2194153 (VCV002194153.9), dbSNP rs775175165, ClinGen allele CA5818671.

ClinVar aggregate classification (germline): Pathogenic/Likely pathogenic. Review status: criteria provided, multiple submitters, no conflicts (2 of 4 stars). 5 submissions from 5 submitters: Pathogenic (4); Likely pathogenic (1). Last evaluated 2025-12-28.

Conditions:
TH-deficient dopa-responsive dystonia. Also called: Tyrosine Hydroxylase-Deficient Dopa-Responsive Dystonia; Segawa syndrome, autosomal recessive; DYT-TH. Identifiers: Orphanet 101150, MedGen C2673535, MONDO:0011551, OMIM 605407.

Allele frequency attached by ClinVar (database versions not stated): ExAC 0.00001; gnomAD 0.00001; TOPMed 0.00001.
gnomAD v4.1: 40 of 1,611,662 alleles (0.0025%); highest among the groups gnomAD compares: Non-Finnish European, 0.0031%; no homozygotes.

Submissions (5):

Labcorp Genetics (formerly Invitae), Labcorp
Classification: Pathogenic for TH-deficient dopa-responsive dystonia. Last evaluated: 2025-12-28. Review status: criteria provided, single submitter. Criteria: Invitae Variant Classification Sherloc (09022015). Collection method: clinical testing. Allele origin: germline.
Comment: This sequence change creates a premature translational stop signal (p.Arg169*) in the TH gene. It is expected to result in an absent or disrupted protein product. Loss-of-function variants in TH are known to be pathogenic (PMID: 22264700, 24753243). The frequency data for this variant in the population databases is considered unreliable, as metrics indicate poor data quality at this position in the gnomAD database. This premature translational stop signal has been observed in individual(s) with tyrosine hydroxylase deficiency (PMID: 16376043). ClinVar contains an entry for this variant (Variation ID: 2194153). For these reasons, this variant has been classified as Pathogenic.

Natera, Inc.
Classification: Pathogenic for Autosomal recessive Segawa syndrome. Last evaluated: 2025-09-16. Review status: criteria provided, single submitter. Criteria: Natera Variant Classification Schema (03/2026). Collection method: clinical testing. Allele origin: germline.
Comment: The c.505C>T variant in TH is a nonsense variant predicted to introduce a stop codon at amino acid 169. This variant is expected to result in nonsense mediated decay, truncation, or a dysfunctional protein product. This variant is rare in the general population with a frequency below the threshold expected for the associated phenotype(s). This variant has been observed in one or more individuals affected with the associated recessive disease, as either homozygous or compound heterozygous with a second variant (PMID: 16376043). Additionally, this variant has been observed to segregate in affected family members (PMID: 16376043). Given the available evidence, this variant is classified as Pathogenic.

Baylor Genetics
Classification: Pathogenic for TH-deficient dopa-responsive dystonia. Last evaluated: 2024-03-27. Review status: criteria provided, single submitter. Criteria: ACMG Guidelines, 2015. Collection method: clinical testing. Allele origin: unknown.

GeneDx
Classification: Likely pathogenic. Last evaluated: 2023-06-23. Review status: criteria provided, single submitter. Criteria: GeneDx Variant Classification Process June 2021. Collection method: clinical testing. Allele origin: germline. Affected: yes.
Comment: Reported previously in siblings with developmental delay, dystonia, hyperprolactinemia, and truncal hypotonia, who also harbored a second pathogenic variant (phase unknown) (Yeung et al., 2006; Yeung et al., 2011; Mak et al., 2010); Nonsense variant predicted to result in protein truncation or nonsense mediated decay in a gene for which loss of function is a known mechanism of disease; Not observed at significant frequency in large population cohorts (gnomAD); This variant is associated with the following publications: (PMID: 25525159, 20056467, 20823027, 16376043)

Juno Genomics, Hangzhou Juno Genomics, Inc
Classification: Pathogenic for TH-deficient dopa-responsive dystonia. Review status: criteria provided, single submitter. Criteria: ACMG Guidelines, 2015. Collection method: clinical testing. Allele origin: germline. Affected: yes.
Comment: Absent from controls (or at extremely low frequency if recessive) in Genome Aggregation Database, Exome Sequencing Project, 1000 Genomes Project, or Exome Aggregation Consortium.;Null variant in a gene where loss of function (LOF) is a known mechanism of disease.;For recessive disorders, detected in trans with a pathogenic variant.;Patient's phenotype or family history is highly specific for a disease with a single genetic etiology.

Literature cited by the submitters: PubMed 22264700 (cited by Labcorp Genetics (formerly Invitae), Labcorp); PubMed 24753243 (cited by Labcorp Genetics (formerly Invitae), Labcorp); PubMed 16376043 (cited by Labcorp Genetics (formerly Invitae), Labcorp and Natera, Inc.).